The following is an entry in ClinVar:

ClinVar aggregate classification (germline): Conflicting classifications of pathogenicity. Review status: criteria provided, conflicting classifications (1 of 4 stars). 2 submissions from 2 submitters: Likely pathogenic (1); Uncertain significance (1). Last evaluated 2022-12-16.

Conditions:
Hereditary cancer-predisposing syndrome. Also called: Neoplastic Syndromes, Hereditary; Tumor predisposition; Hereditary Cancer Syndrome; Hereditary neoplastic syndrome. Identifiers: Orphanet 140162, MedGen C0027672, MeSH D009386, MONDO:0015356.

Allele frequency attached by ClinVar (database versions not stated): ExAC 0.00001; gnomAD 0.00001; 1000 Genomes Project 30x 0.00016; 1000 Genomes Project 0.00020.
gnomAD v4.1: 1 of 1,611,710 alleles (0.000062%); highest among the groups gnomAD compares: South Asian, 0.0011%; no homozygotes.

Submissions (2):

Quest Diagnostics Nichols Institute San Juan Capistrano
Classification: Uncertain significance. Last evaluated: 2022-12-16. Review status: criteria provided, single submitter. Criteria: Quest Diagnostics criteria. Collection method: clinical testing. Allele origin: unknown.
Comment: This variant disrupts a canonical splice-donor site in the second to last exon, but may not result in nonsense mediated decay. To the best of our knowledge, the variant has not been reported in the published literature. The frequency of this variant in the general population, 0.000004 (1/251366 chromosomes), is uninformative in assessment of its pathogenicity. Based on the available information, we are unable to determine the clinical significance of this variant.

Ambry Genetics
Classification: Likely pathogenic for Hereditary cancer-predisposing syndrome. Last evaluated: 2017-11-28. Review status: criteria provided, single submitter. Criteria: Ambry Variant Classification Scheme 2023. Collection method: clinical testing. Allele origin: germline.
Comment: The c.2001+2T>C intronic variant results from a T to C substitution two nucleotides after coding exon 10 in the BARD1 gene. This nucleotide position is highly conserved in available vertebrate species. Using the BDGP and ESEfinder splice site prediction tools, this alteration is predicted to abolish the native splice donor site; however, direct evidence is unavailable. Alterations that disrupt the canonical splice site are expected to cause aberrant splicing, resulting in an abnormal protein or transcript; however, the mRNA may escape nonsense mediated decay (NMD) since premature termination codons located either in the last exon or within 50-55 nucleotides upstream of the 3'-most exon-exon junction usually fail to elicit NMD (Maquat LE et al. Nat. Rev. Mol. Cell Biol. 2004 Feb; 5(2):89-99). However, the c.2001+2T>C alteration is located 5&rsquo; to the BARD1 BRCT domain (residues 568-777), which has been described as similar to those of the BRCA1 gene, and may be important for ligand binding (Birrane G et al. Biochemistry 2007 Jul; 46(26):7706-12). Further, an additional pathogenic mutation in the BARD1 gene, c.2148_2149delCA, is located 3&rsquo; Based on the available evidence, c.2001+2T>C is interpreted as likely pathogenic.

NM_000465.4(BARD1):c.2001+2T>C

Gene: BARD1 (BRCA1 associated RING domain 1; minus strand). Cytogenetic location: 2q35.
Variant type: single nucleotide variant.
Coding change: c.2001+2T>C on transcript NM_000465.4 (MANE Select); the canonical splice donor site of the intron after coding-DNA position 2001, T replaced by C.
Molecular consequence: splice donor variant.
Genome position (GRCh38, 1-based): chr2:214,730,409, A>G on the plus strand (T>C on the coding strand, the complement: BARD1 is on the minus strand). VCF-style: chr2-214730409-A-G. GRCh37 (hg19) VCF-style: chr2-215595133-A-G.
Other names: c.2001+2T>C (NM_000465.3); c.591+2T>C (NM_001282548.2); c.1944+2T>C (NM_001282543.2); c.648+2T>C (NM_001282545.2); c.462+2T>C (NM_001282549.2).
Identifiers: ClinVar variation 1784241 (VCV001784241.3), dbSNP rs567493750, ClinGen allele CA2090108.